The following is an entry in ClinVar:

NC_000023.11:g.(?_31478106)_(31932227_?)del

Genes: DMD (dystrophin; minus strand), LOC129391296 (MPRA-validated peak7373 silencer; plus strand). Cytogenetic location: Xp21.2-21.1.
Variant type: Deletion.
Identifiers: ClinVar variation 417483 (VCV000417483.1).

ClinVar aggregate classification (germline): Pathogenic (1 of 4 stars; one submission).

Conditions:
Duchenne muscular dystrophy (DMD). Also called: MUSCULAR DYSTROPHY, PSEUDOHYPERTROPHIC PROGRESSIVE, DUCHENNE TYPE; Duchenne Muscular Dystrophy (DMD). Identifiers: Orphanet 98896, MedGen C0013264, MONDO:0010679, OMIM 310200.

Submission:

Labcorp Genetics (formerly Invitae), Labcorp
Classification: Pathogenic for Duchenne muscular dystrophy. Last evaluated: 2016-05-23. Review status: criteria provided, single submitter. Criteria: Invitae Variant Classification Sherloc (09022015). Collection method: clinical testing. Allele origin: germline.
Comment: This variant is a gross deletion of the genomic region encompassing exons 46-59 of the DMD gene. This out-of-frame deletion creates a premature translational stop signal and is expected to result in an absent or disrupted protein product. Truncating variants in DMD are known to be pathogenic. A similar deletion of exons 46-59 was reported in an individual affected with Duchenne muscular dystrophy. (PMID:25972034). For these reasons, this variant has been classified as Pathogenic.